The following is an entry in ClinVar:

ClinVar aggregate classification (germline): Pathogenic. Review status: reviewed by expert panel (3 of 4 stars). 7 submissions from 7 submitters: Pathogenic (1). 6 of the submissions do not count toward it. Last evaluated 2023-08-29.

Conditions:
CDH1-related diffuse gastric and lobular breast cancer syndrome. Also called: CDH1-related diffuse gastric and lobular breast cancer. Identifiers: MedGen CN311521, MONDO:0100488.
CDH1-related disorder. Also called: CDH1-related condition.
Hereditary cancer-predisposing syndrome. Also called: Tumor predisposition; Hereditary neoplastic syndrome; Neoplastic Syndromes, Hereditary; Hereditary Cancer Syndrome. Identifiers: Orphanet 140162, MedGen C0027672, MeSH D009386, MONDO:0015356.
Hereditary diffuse gastric adenocarcinoma (HDGC). Also called: DIFFUSE GASTRIC AND LOBULAR BREAST CANCER SYNDROME. Identifiers: Orphanet 26106, MedGen C1708349, MONDO:0007648, OMIM 137215.

Submissions (7):

Clingen Gastric Cancer Variant Curation Expert Panel
Classification: Pathogenic for CDH1-related diffuse gastric and lobular breast cancer syndrome. Last evaluated: 2023-08-29. Review status: reviewed by expert panel. Criteria: ClinGen CDH1 ACMG Specifications V3.1. Collection method: curation. Allele origin: germline. Inheritance: Autosomal dominant inheritance.
Comment: The c.48+1G>A is a canonical splice variant predicted to result in a truncated or absent protein (PVS1_Strong, PM5_Supporting). This variant is absent in the gnomAD cohort (PM2_Supporting). This variant has been reported in at least two families meeting HDGC clinical criteria (PS4_Moderate; PMID: 20719348, 24366306). The variant was also found to co-segregate with disease in multiple affected family members, with 5 or 6 meioses observed (PP1_Moderate; SCV000617359.1). In summary, this variant meets criteria to be classified as pathogenic based on the ACMG/AMP criteria applied as specified by the CDH1 Variant Curation Expert Panel (Variant Interpretation Guidelines Version 3.1): PVS1_Strong, PM2_Supporting, PS4_Moderate and PP1_Moderate, PM5_Supporting.

PreventionGenetics, part of Exact Sciences
Classification: Pathogenic for CDH1-related condition. Last evaluated: 2025-04-30. Review status: criteria provided, single submitter. Criteria: ACMG Guidelines, 2015. Collection method: clinical testing. Allele origin: germline. Not counted in ClinVar's aggregate classification.
Comment: The CDH1 c.48+1G>A variant is predicted to disrupt the GT donor site and interfere with normal splicing. This variant has been reported in multiple individuals with a family history of gastric cancer (Pandalai et al. 2011. PubMed ID: 20719348; Stillman et al. 2022. PubMed ID: 36063148; Garcia-Pelaez et al. 2022. PubMed ID: 36436516). This variant has also been reported in an individual with bilateral lobular carcinoma in situ (LCIS) and lobular breast cancer (ILC) with a family history of breast cancer (Petridis et al. 2013. PubMed ID: 24366306). This variant has not been seen in a large population database (gnomAD), indicating that it is rare. This variant is consistently interpreted as pathogenic in ClinVar, including by the ClinGen CDH1 Variant Curation Expert Panel. Variants that disrupt the consensus splice donor site in CDH1 are expected to be pathogenic. This variant is interpreted as pathogenic.

Myriad Genetics, Inc.
Classification: Pathogenic for Hereditary diffuse gastric adenocarcinoma. Last evaluated: 2024-08-27. Review status: criteria provided, single submitter. Criteria: Myriad Autosomal Dominant, Autosomal Recessive and X-Linked Classification Criteria (2023). Collection method: clinical testing. Allele origin: unknown. Not counted in ClinVar's aggregate classification.
Comment: This variant is considered pathogenic. This variant occurs within a consensus splice junction and is predicted to result in abnormal mRNA splicing of either an out-of-frame exon or an in-frame exon necessary for protein stability and/or normal function. This variant has been reported in multiple individuals with clinical features of gene-specific disease [PMID: 20719348, 38873722, 30745422].

European Reference Network on Genetic Tumour Risk Syndromes (ERN-GENTURIS), i3s - Instituto de Investigação e Inovação em Saúde, University of Porto
Classification: Pathogenic for Hereditary diffuse gastric adenocarcinoma. Last evaluated: 2022-08-01. Review status: criteria provided, single submitter. Criteria: Lee et al. (Hum Mutat. 2018). Collection method: clinical testing. Allele origin: germline. Inheritance: Autosomal dominant inheritance. Affected: yes. Study: ERN GENTURIS. Not counted in ClinVar's aggregate classification.
Comment: PVS1_Strong; PS4_Moderate; PM2; PP1_Moderate (PMID: 30311375)

Ambry Genetics
Classification: Pathogenic for Hereditary cancer-predisposing syndrome. Last evaluated: 2022-03-01. Review status: criteria provided, single submitter. Criteria: Ambry Variant Classification Scheme 2023. Collection method: clinical testing. Allele origin: germline. Not counted in ClinVar's aggregate classification.
Comment: The c.48+1G>A intronic pathogenic mutation results from a G to A substitution one nucleotide after coding exon 1 of the CDH1 gene. This alteration has been reported in a family affected with gastric cancers, colon cancer, and signet cell carcinoma of the cecum. Three unaffected members of this family were found to carry the c.48+1G>A pathogenic mutation and elected prophylactic gastrectomies. Post-surgical evaluations of all three gastrectomy specimens showed multiple foci of intramucosal adenocarcinoma and/or of signet ring cell carcinoma in situ (Pandalai PK et al. Surgery. 2011 Mar;149(3):347-55; Fujita H et al. Am J Surg Pathol. 2012 Nov;36(11):1709-17). In addition to the clinical data presented in the literature, alterations that disrupt the canonical splice site are expected to cause aberrant splicing, resulting in an abnormal protein or a transcript that is subject to nonsense-mediated mRNA decay. As such, this alteration is classified as a disease-causing mutation.

Mendelics
Classification: Pathogenic for Hereditary diffuse gastric cancer. Last evaluated: 2018-07-02. Review status: criteria provided, single submitter. Criteria: Mendelics Assertion Criteria 2017. Collection method: clinical testing. Allele origin: unknown. Not counted in ClinVar's aggregate classification.

GeneDx
Classification: Pathogenic. Last evaluated: 2017-07-20. Review status: criteria provided, single submitter. Criteria: GeneDx Variant Classification (06012015). Collection method: clinical testing. Allele origin: germline. Affected: yes. Not counted in ClinVar's aggregate classification.
Comment: This variant is denoted CDH1 c.48+1G>A or IVS1+1G>A and consists of a G>A nucleotide substitutionat the +1 position of intron 1 of the CDH1 gene. This variant destroys a canonical splice donor site and is predicted tocause abnormal gene splicing, leading to either an abnormal message that is subject to nonsense-mediated mRNAdecay or to an abnormal protein product. CDH1 c.48+1G>A has been reported in at least two families; one presentingwith multiple cases of diffuse gastric cancer while the other is reported to only have lobular breast cancer (Pandalai2011, Petridis 2014). Based on the current evidence, we consider this variant to be pathogenic

Literature cited by the submitters: PubMed 20719348 (cited by Clingen Gastric Cancer Variant Curation Expert Panel and Myriad Genetics, Inc.); PubMed 24366306 (cited by Clingen Gastric Cancer Variant Curation Expert Panel); PubMed 38873722 (cited by Myriad Genetics, Inc.); PubMed 30745422 (cited by Myriad Genetics, Inc.); PubMed 36436516 (cited by European Reference Network on Genetic Tumour Risk Syndromes (ERN-GENTURIS), i3s - Instituto de Investigação e Inovação em Saúde, University of Porto).

NM_004360.5(CDH1):c.48+1G>A

Gene: CDH1 (cadherin 1; plus strand). Cytogenetic location: 16q22.1.
Variant type: single nucleotide variant.
Coding change: c.48+1G>A on transcript NM_004360.5 (MANE Select); the canonical splice donor site of the intron after coding-DNA position 48, G replaced by A.
Molecular consequence: splice donor variant.
Genome position (GRCh38, 1-based): chr16:68,737,464, G>A. VCF-style: chr16-68737464-G-A. GRCh37 (hg19) VCF-style: chr16-68771367-G-A.
Other names: NM_004360.4(CDH1):c.48+1G>A; c.-1568+1G>A (NM_001317185.2); c.-1772+1G>A (NM_001317186.2); c.48+1G>A (NM_001317184.2).
Identifiers: ClinVar variation 449341 (VCV000449341.13), dbSNP rs1440280370, ClinGen allele CA396451431.